The following is an entry in ClinVar:

NC_000002.11:g.(?_86292377)_(86509385_?)dup

Genes: IMMT (inner membrane mitochondrial protein; minus strand), MRPL35 (mitochondrial ribosomal protein L35; plus strand), POLR1A (RNA polymerase I subunit A; minus strand), PTCD3 (pentatricopeptide repeat domain 3; plus strand), REEP1 (receptor accessory protein 1; minus strand). Cytogenetic location: 2p11.2.
Variant type: Duplication.
Identifiers: ClinVar variation 1411951 (VCV001411951.5).

ClinVar aggregate classification (germline): Uncertain significance (1 of 4 stars; one submission).

Submission:

Labcorp Genetics (formerly Invitae), Labcorp
Classification: Uncertain significance. Last evaluated: 2023-11-20. Review status: criteria provided, single submitter. Criteria: Invitae Variant Classification Sherloc (09022015). Collection method: clinical testing. Allele origin: germline.
Comment: This variant results in a copy number gain of the genomic region encompassing exon(s) 1-14 of the POLR1A gene. This region includes the initiator codon of the gene. This copy number gain extends beyond the assayed region for this gene and therefore may encompass additional genes. As the precise location of this event is unknown, it may be in tandem or it may be located elsewhere in the genome. This variant has not been reported in the literature in individuals affected with POLR1A-related conditions. In summary, the available evidence is currently insufficient to determine the role of this variant in disease. Therefore, it has been classified as a Variant of Uncertain Significance.